The following is an entry in ClinVar:

NM_001903.5(CTNNA1):c.1191C>T (p.Thr397=)

Gene: CTNNA1 (catenin alpha 1; plus strand). Cytogenetic location: 5q31.2.
Variant type: single nucleotide variant.
Coding change: c.1191C>T on transcript NM_001903.5 (MANE Select); coding-DNA position 1191, C replaced by T.
Protein change: p.Thr397=; no amino-acid change (threonine 397 retained).
Molecular consequence: synonymous variant. On other transcripts: 5 prime UTR variant (5), intron variant (2).
Genome position (GRCh38, 1-based): chr5:138,887,537, C>T. VCF-style: chr5-138887537-C-T. GRCh37 (hg19) VCF-style: chr5-138223226-C-T.
Other names: c.1191C>T (NM_001903.2); c.1191C>T, p.Thr397= (NM_001290307.3, NM_001323982.2, NM_001323983.1 and 3 more transcripts); c.882C>T, p.Thr294= (NM_001290309.3); c.822C>T, p.Thr274= (NM_001290310.3); c.81C>T, p.Thr27= (NM_001290312.1, NM_001323987.1, NM_001323988.1 and 18 more transcripts); c.-317C>T (NM_001324006.1, NM_001324007.1, NM_001324008.1 and 1 more transcripts); c.-192C>T (NM_001324013.1); c.-58+11940C>T (NM_001324012.1); and 1 more.
Identifiers: ClinVar variation 1125536 (VCV001125536.10), dbSNP rs1754340709, ClinGen allele CA446589783.
Genomic context (GRCh38, chr5:138,887,537, plus strand): 5'-ATTTAATCATTAGCTCCGCAAAGCTGTCATGGACCACGTTTCAGATTCTTTCCTGGAAAC[C>T]AATGTTCCACTTTTGGTATTGATTGAAGCTGCAAAGAATGGAAATGAGAAAGAAGTTAAG-3'
Protein context (NP_001894.2, residues 387-407): MDHVSDSFLE[Thr397=]NVPLLVLIEA

ClinVar aggregate classification (germline): Conflicting classifications of pathogenicity. Review status: criteria provided, conflicting classifications (1 of 4 stars). 2 submissions from 2 submitters: Uncertain significance (1); Likely benign (1). Last evaluated 2025-12-30.

Conditions:
Hereditary cancer-predisposing syndrome. Also called: Hereditary Cancer Syndrome; Neoplastic Syndromes, Hereditary; Tumor predisposition; Hereditary neoplastic syndrome. Identifiers: Orphanet 140162, MedGen C0027672, MeSH D009386, MONDO:0015356.

gnomAD v4.1: 3 of 1,610,312 alleles (0.00019%); highest among the groups gnomAD compares: East Asian, 0.0067%; no homozygotes.

Submissions (2):

Ambry Genetics
Classification: Uncertain significance for Hereditary cancer-predisposing syndrome. Last evaluated: 2025-12-30. Review status: criteria provided, single submitter. Criteria: Ambry Variant Classification Scheme 2023. Collection method: clinical testing. Allele origin: germline.
Comment: The c.1191C>T variant (also known as p.T397T), located in coding exon 8 of the CTNNA1 gene, results from a C to T substitution at nucleotide position 1191. This nucleotide substitution does not change the amino acid at codon 397. This nucleotide position is not well conserved in available vertebrate species. In silico splice site analysis predicts that this alteration may result in the creation or strengthening of a novel splice acceptor site. Based on the available evidence, the clinical significance of this variant remains unclear.

Labcorp Genetics (formerly Invitae), Labcorp
Classification: Likely benign. Last evaluated: 2025-04-23. Review status: criteria provided, single submitter. Criteria: Invitae Variant Classification Sherloc (09022015). Collection method: clinical testing. Allele origin: germline.